The following is an entry in ClinVar:

ClinVar aggregate classification (germline): Uncertain significance (0 of 4 stars; one submission).

Conditions:
NRP2-related disorder. Also called: NRP2-related condition.

gnomAD v4.1: 1 of 1,613,942 alleles (0.000062%); highest among the groups gnomAD compares: East Asian, 0.0022%; no homozygotes.

Submission:

PreventionGenetics, part of Exact Sciences
Classification: Uncertain significance for NRP2-related condition. Last evaluated: 2024-04-16. Review status: no assertion criteria provided. Collection method: clinical testing. Allele origin: germline.
Comment: The NRP2 c.1799C>A variant is predicted to result in the amino acid substitution p.Thr600Lys. To our knowledge, this variant has not been reported in the literature. This variant is reported in 0.0054% of alleles in individuals of East Asian descent in gnomAD. At this time, the clinical significance of this variant is uncertain due to the absence of conclusive functional and genetic evidence.

NM_003872.3(NRP2):c.1799C>A (p.Thr600Lys)

Gene: NRP2 (neuropilin 2; plus strand). Cytogenetic location: 2q33.3.
Variant type: single nucleotide variant.
Coding change: c.1799C>A on transcript NM_003872.3 (MANE Select); coding-DNA position 1799, C replaced by A.
Protein change: p.Thr600Lys; replaces threonine 600 with lysine.
Molecular consequence: missense variant.
Genome position (GRCh38, 1-based): chr2:205,749,737, C>A. VCF-style: chr2-205749737-C-A. GRCh37 (hg19) VCF-style: chr2-206614461-C-A.
Other names: c.1799C>A, p.Thr600Lys (NM_018534.4, NM_201266.2, NM_201267.2 and 1 more transcripts); short protein forms T600K.
Identifiers: ClinVar variation 3347688 (VCV003347688.1).
Genomic context (GRCh38, chr2:205,749,737, plus strand): 5'-AACACAGGCTGCTACAGCATTCTCTTATCTTCCTTTGCCCTTACACAGACTCCAAGCCCA[C>A]GGTAGAGACGCTGGGACCCACTGTGAAGAGCGAAGAGACAACCACCCCCTACCCCACCGA-3'
Protein context (NP_003863.2, residues 590-610): LGCDWTDSKP[Thr600Lys]VETLGPTVKS